The following is an entry in ClinVar:

ClinVar aggregate classification (germline): Uncertain significance. Review status: criteria provided, multiple submitters, no conflicts (2 of 4 stars). 2 submissions from 2 submitters: Uncertain significance (2). Last evaluated 2024-11-15.

Conditions:
Colorectal cancer, hereditary nonpolyposis, type 7. Identifiers: Orphanet 144, MedGen C1858380, MONDO:0013725, OMIM 614385.

Allele frequency attached by ClinVar (database versions not stated): gnomAD exomes below 0.00001.
gnomAD v4.1: 2 of 1,614,234 alleles (0.00012%); highest among the groups gnomAD compares: Non-Finnish European, 0.00017%; no homozygotes.

Submissions (2):

Ambry Genetics
Classification: Uncertain significance. Last evaluated: 2024-11-15. Review status: criteria provided, single submitter. Criteria: Ambry Variant Classification Scheme 2023. Collection method: clinical testing. Allele origin: germline.
Comment: The p.C133G variant (also known as c.397T>G), located in coding exon 1 of the MLH3 gene, results from a T to G substitution at nucleotide position 397. The cysteine at codon 133 is replaced by glycine, an amino acid with highly dissimilar properties. This amino acid position is conserved. In addition, this alteration is predicted to be tolerated by in silico analysis. Since supporting evidence is limited at this time, the clinical significance of this alteration remains unclear.

Labcorp Genetics (formerly Invitae), Labcorp
Classification: Uncertain significance for Colorectal cancer, hereditary nonpolyposis, type 7. Last evaluated: 2017-05-07. Review status: criteria provided, single submitter. Criteria: Invitae Variant Classification Sherloc (09022015). Collection method: clinical testing. Allele origin: germline.
Comment: In summary, this variant is a novel missense change that is not predicted to affect protein function. There is no indication that it causes disease, but the available evidence is currently insufficient to prove that conclusively. Therefore, it has been classified as a Variant of Uncertain Significance. Algorithms developed to predict the effect of missense changes on protein structure and function (SIFT, PolyPhen-2, Align-GVGD) all suggest that this variant is likely to be tolerated, but these predictions have not been confirmed by published functional studies. This variant is not present in population databases (ExAC no frequency) and has not been reported in the literature in individuals with an MLH3-related disease. This sequence change replaces cysteine with glycine at codon 133 of the MLH3 protein (p.Cys133Gly). The cysteine residue is weakly conserved and there is a large physicochemical difference between cysteine and glycine.

NM_001040108.2(MLH3):c.397T>G (p.Cys133Gly)

Gene: MLH3 (mutL homolog 3; minus strand). Cytogenetic location: 14q24.3.
Variant type: single nucleotide variant.
Coding change: c.397T>G on transcript NM_001040108.2 (MANE Select); coding-DNA position 397, T replaced by G.
Protein change: p.Cys133Gly; replaces cysteine 133 with glycine.
Molecular consequence: missense variant.
Genome position (GRCh38, 1-based): chr14:75,049,259, A>C on the plus strand (T>G on the coding strand, the complement: MLH3 is on the minus strand). VCF-style: chr14-75049259-A-C. GRCh37 (hg19) VCF-style: chr14-75515962-A-C.
Other names: c.397T>G, p.Cys133Gly (NM_014381.3); short protein forms C133G.
Identifiers: ClinVar variation 478040 (VCV000478040.12), dbSNP rs1555346244, ClinGen allele CA390450588.